The following is an entry in ClinVar:

NM_000824.5(GLRB):c.1213T>G (p.Cys405Gly)

Gene: GLRB (glycine receptor beta; plus strand). Cytogenetic location: 4q32.1.
Variant type: single nucleotide variant.
Coding change: c.1213T>G on transcript NM_000824.5 (MANE Select); coding-DNA position 1213, T replaced by G.
Protein change: p.Cys405Gly; replaces cysteine 405 with glycine.
Molecular consequence: missense variant. On other transcripts: 3 prime UTR variant (1).
Genome position (GRCh38, 1-based): chr4:157,170,447, T>G. VCF-style: chr4-157170447-T-G. GRCh37 (hg19) VCF-style: chr4-158091599-T-G.
Other names: c.1213T>G, p.Cys405Gly (NM_001166060.2); c.*8T>G (NM_001166061.2); c.1213T>G (NM_000824.4); short protein forms C405G.
Identifiers: ClinVar variation 1518816 (VCV001518816.5), dbSNP rs780143117, ClinGen allele CA3119983.

ClinVar aggregate classification (germline): Uncertain significance. Review status: criteria provided, multiple submitters, no conflicts (2 of 4 stars). 2 submissions from 2 submitters: Uncertain significance (2). Last evaluated 2026-06-04.

Conditions:
Hyperekplexia 2 (HKPX2). Identifiers: Orphanet 3197, MedGen C3553291, MONDO:0013828, OMIM 614619.
Inborn genetic diseases. Identifiers: MedGen C0950123, MeSH D030342.

Allele frequency attached by ClinVar (database versions not stated): TOPMed 0.00006; ExAC 0.00002; gnomAD 0.00004 and 0.00002; gnomAD exomes 0.00002 and 0.00001.
gnomAD v4.1: 19 of 1,597,392 alleles (0.0012%); highest among the groups gnomAD compares: Middle Eastern, 0.066%; no homozygotes.

Submissions (2):

Ambry Genetics
Classification: Uncertain significance for Inborn genetic diseases. Last evaluated: 2026-06-04. Review status: criteria provided, single submitter. Criteria: Ambry Variant Classification Scheme 2023. Collection method: clinical testing. Allele origin: germline.

Labcorp Genetics (formerly Invitae), Labcorp
Classification: Uncertain significance for Hyperekplexia 2. Last evaluated: 2022-08-23. Review status: criteria provided, single submitter. Criteria: Invitae Variant Classification Sherloc (09022015). Collection method: clinical testing. Allele origin: germline.
Comment: This sequence change replaces cysteine, which is neutral and slightly polar, with glycine, which is neutral and non-polar, at codon 405 of the GLRB protein (p.Cys405Gly). This variant is present in population databases (rs780143117, gnomAD 0.006%). This variant has not been reported in the literature in individuals affected with GLRB-related conditions. ClinVar contains an entry for this variant (Variation ID: 1518816). Advanced modeling of protein sequence and biophysical properties (such as structural, functional, and spatial information, amino acid conservation, physicochemical variation, residue mobility, and thermodynamic stability) performed at Invitae indicates that this missense variant is not expected to disrupt GLRB protein function. In summary, the available evidence is currently insufficient to determine the role of this variant in disease. Therefore, it has been classified as a Variant of Uncertain Significance.